The following is an entry in ClinVar:

NM_002874.5(RAD23B):c.503C>T (p.Ser168Leu)

Gene: RAD23B (RAD23 homolog B, nucleotide excision repair protein; plus strand). Cytogenetic location: 9q31.2.
Variant type: single nucleotide variant.
Coding change: c.503C>T on transcript NM_002874.5 (MANE Select); coding-DNA position 503, C replaced by T.
Protein change: p.Ser168Leu; replaces serine 168 with leucine.
Molecular consequence: missense variant.
Genome position (GRCh38, 1-based): chr9:107,311,687, C>T. VCF-style: chr9-107311687-C-T. GRCh37 (hg19) VCF-style: chr9-110073968-C-T.
Other names: c.440C>T, p.Ser147Leu (NM_001244713.1); c.287C>T, p.Ser96Leu (NM_001244724.2); short protein forms S168L, S96L, S147L.
Identifiers: ClinVar variation 2375509 (VCV002375509.5), dbSNP rs189555517, ClinGen allele CA5172712.

ClinVar aggregate classification (germline): Uncertain significance. Review status: criteria provided, single submitter (1 of 4 stars). 2 submissions from 2 submitters: Uncertain significance (1). 1 of the submissions does not count toward it. Last evaluated 2021-08-19.

Conditions:
RAD23B-related disorder. Also called: RAD23B-related condition.

Allele frequency attached by ClinVar (database versions not stated): ExAC 0.00003; gnomAD 0.00005; TOPMed 0.00010.

Submissions (2):

Ambry Genetics
Classification: Uncertain significance. Last evaluated: 2021-08-19. Review status: criteria provided, single submitter. Criteria: Ambry Variant Classification Scheme 2023. Collection method: clinical testing. Allele origin: germline.

PreventionGenetics, part of Exact Sciences
Classification: Uncertain significance for RAD23B-related condition. Last evaluated: 2024-02-08. Review status: no assertion criteria provided. Collection method: clinical testing. Allele origin: germline. Not counted in ClinVar's aggregate classification.
Comment: The RAD23B c.503C>T variant is predicted to result in the amino acid substitution p.Ser168Leu. To our knowledge, this variant has not been reported in the literature. This variant is reported in 0.037% of alleles in individuals of Latino descent in gnomAD. At this time, the clinical significance of this variant is uncertain due to the absence of conclusive functional and genetic evidence.